The following is an entry in ClinVar:

ClinVar aggregate classification (germline): Conflicting classifications of pathogenicity. Review status: criteria provided, conflicting classifications (1 of 4 stars). 3 submissions from 3 submitters: Uncertain significance (2); Likely benign (1). Last evaluated 2025-04-25.

Conditions:
Inborn genetic diseases. Identifiers: MedGen C0950123, MeSH D030342.

Allele frequency attached by ClinVar (database versions not stated): gnomAD exomes below 0.00001 and 0.00001; ExAC 0.00001; gnomAD 0.00001; TOPMed 0.00002; 1000 Genomes Project 30x 0.00016; 1000 Genomes Project 0.00020.

Submissions (3):

Ambry Genetics
Classification: Uncertain significance for Inborn genetic diseases. Last evaluated: 2025-04-25. Review status: criteria provided, single submitter. Criteria: Ambry Variant Classification Scheme 2023. Collection method: clinical testing. Allele origin: germline.

Labcorp Genetics (formerly Invitae), Labcorp
Classification: Uncertain significance. Last evaluated: 2023-02-10. Review status: criteria provided, single submitter. Criteria: Invitae Variant Classification Sherloc (09022015). Collection method: clinical testing. Allele origin: germline.
Comment: This sequence change replaces glutamine, which is neutral and polar, with histidine, which is basic and polar, at codon 2882 of the HSPG2 protein (p.Gln2882His). This variant is present in population databases (rs548583670, gnomAD 0.003%). This variant has not been reported in the literature in individuals affected with HSPG2-related conditions. ClinVar contains an entry for this variant (Variation ID: 1690810). Algorithms developed to predict the effect of missense changes on protein structure and function output the following: SIFT: "Tolerated"; PolyPhen-2: "Benign"; Align-GVGD: "Class C0". The histidine amino acid residue is found in multiple mammalian species, which suggests that this missense change does not adversely affect protein function. In summary, the available evidence is currently insufficient to determine the role of this variant in disease. Therefore, it has been classified as a Variant of Uncertain Significance.

Laboratorio de Genetica e Diagnostico Molecular, Hospital Israelita Albert Einstein
Classification: Likely benign. Last evaluated: 2020-02-17. Review status: criteria provided, single submitter. Criteria: ACMG Guidelines, 2015. Collection method: clinical testing. Allele origin: germline. Affected: yes.
Comment: ACMG classification criteria: PM2, BP1, BP4

NM_005529.7(HSPG2):c.8646G>T (p.Gln2882His)

Gene: HSPG2 (heparan sulfate proteoglycan 2; minus strand). Cytogenetic location: 1p36.12.
Variant type: single nucleotide variant.
Coding change: c.8646G>T on transcript NM_005529.7 (MANE Select); coding-DNA position 8646, G replaced by T.
Protein change: p.Gln2882His; replaces glutamine 2882 with histidine.
Molecular consequence: missense variant.
Genome position (GRCh38, 1-based): chr1:21,843,409, C>A on the plus strand (G>T on the coding strand, the complement: HSPG2 is on the minus strand). VCF-style: chr1-21843409-C-A. GRCh37 (hg19) VCF-style: chr1-22169902-C-A.
Other names: c.8649G>T, p.Gln2883His (NM_001291860.2); c.8646G>T (NM_005529.5); short protein forms Q2882H, Q2883H.
Identifiers: ClinVar variation 1690810 (VCV001690810.6), dbSNP rs548583670, ClinGen allele CA670703.